The following is an entry in ClinVar:

ClinVar aggregate classification (germline): Uncertain significance (0 of 4 stars; one submission).

Conditions:
SEMA3B-related disorder. Also called: SEMA3B-related condition.

gnomAD v4.1: 88 of 1,613,470 alleles (0.0055%); highest among the groups gnomAD compares: Non-Finnish European, 0.0069%; no homozygotes.

Submission:

PreventionGenetics, part of Exact Sciences
Classification: Uncertain significance for SEMA3B-related condition. Last evaluated: 2024-07-11. Review status: no assertion criteria provided. Collection method: clinical testing. Allele origin: germline.
Comment: The SEMA3B c.324C>T is a noncoding alteration. To our knowledge, this variant has not been reported in the literature. This variant is reported in 0.010% of alleles in individuals of East Asian descent in gnomAD. At this time, the clinical significance of this variant is uncertain due to the absence of conclusive functional and genetic evidence.

NM_001290060.2(SEMA3B):c.324C>T (p.Asp108=)

Gene: SEMA3B (semaphorin 3B; plus strand). Cytogenetic location: 3p21.31.
Variant type: single nucleotide variant.
Coding change: c.324C>T on transcript NM_001290060.2 (MANE Select); coding-DNA position 324, C replaced by T.
Protein change: p.Asp108=; no amino-acid change (aspartic acid 108 retained).
Molecular consequence: synonymous variant.
Genome position (GRCh38, 1-based): chr3:50,270,489, C>T. VCF-style: chr3-50270489-C-T. GRCh37 (hg19) VCF-style: chr3-50307920-C-T.
Other names: c.324C>T, p.Asp108= (NM_001005914.3, NM_001290061.1, NM_004636.4).
Identifiers: ClinVar variation 3357455 (VCV003357455.1).